The following is an entry in ClinVar:

ClinVar aggregate classification (germline): Pathogenic (1 of 4 stars; one submission).

Submission:

GeneDx
Classification: Pathogenic. Last evaluated: 2017-08-18. Review status: criteria provided, single submitter. Criteria: GeneDx Variant Classification (06012015). Collection method: clinical testing. Allele origin: germline. Affected: yes.
Comment: The c.1186_1188delAGCinsTGA pathogenic variant has not been published as a pathogenic variant, nor has it been reported as a benign variant to our knowledge. The c.1186_1188delAGCinsTGA variant results in an in-frame deletion of a single Serine residue and the insertion of a premature Stop codon at amino acid position 396, denoted S396X. This variant is predicted to cause loss of normal protein function either through protein truncation or nonsense-mediated mRNA decay. The c.1186_1188delAGCinsTGA variant is not observed at a significant frequency in large population cohorts (Lek et al., 2016; 1000 Genomes Consortium et al., 2015; Exome Variant Server).

NM_006516.4(SLC2A1):c.1186_1188delinsTGA (p.Ser396Ter)

Gene: SLC2A1 (solute carrier family 2 member 1; minus strand). Cytogenetic location: 1p34.2.
Variant type: Indel.
Coding change: c.1186_1188delinsTGA on transcript NM_006516.4 (MANE Select); coding-DNA positions 1186 to 1188, AGC replaced by TGA.
Protein change: p.Ser396Ter; replaces serine 396 with a stop codon.
Molecular consequence: nonsense.
Genome position (GRCh38, 1-based): chr1:42,927,695-42,927,697, GCT replaced by TCA on the plus strand (AGC replaced by TGA on the coding strand, the reverse complement: SLC2A1 is on the minus strand). VCF-style: chr1-42927695-GCT-TCA. GRCh37 (hg19) VCF-style: chr1-43393366-GCT-TCA.
Other names: short protein forms S396*.
Identifiers: ClinVar variation 449915 (VCV000449915.1), dbSNP rs1553155885, ClinGen allele CA658656901.